The following is an entry in ClinVar:

ClinVar aggregate classification (germline): Conflicting classifications of pathogenicity. Review status: criteria provided, conflicting classifications (1 of 4 stars). 2 submissions from 2 submitters: Uncertain significance (1); Likely benign (1). Last evaluated 2025-10-22.

Conditions:
Inborn genetic diseases. Identifiers: MedGen C0950123, MeSH D030342.

Allele frequency attached by ClinVar (database versions not stated): gnomAD exomes 0.00005 and 0.00009; TOPMed 0.00006; ExAC 0.00010.
gnomAD v4.1: 27 of 1,614,228 alleles (0.0017%); highest among the groups gnomAD compares: Admixed American, 0.042%; no homozygotes.

Submissions (2):

Ambry Genetics
Classification: Likely benign for Inborn genetic diseases. Last evaluated: 2025-10-22. Review status: criteria provided, single submitter. Criteria: Ambry Variant Classification Scheme 2023. Collection method: clinical testing. Allele origin: germline.

Labcorp Genetics (formerly Invitae), Labcorp
Classification: Uncertain significance. Last evaluated: 2025-09-03. Review status: criteria provided, single submitter. Criteria: Invitae Variant Classification Sherloc (09022015). Collection method: clinical testing. Allele origin: germline.
Comment: This sequence change replaces threonine, which is neutral and polar, with isoleucine, which is neutral and non-polar, at codon 67 of the DIP2C protein (p.Thr67Ile). This variant is present in population databases (rs752352624, gnomAD 0.07%), and has an allele count higher than expected for a pathogenic variant. This variant has not been reported in the literature in individuals affected with DIP2C-related conditions. ClinVar contains an entry for this variant (Variation ID: 1416620). An algorithm developed to predict the effect of missense changes on protein structure and function (PolyPhen-2) suggests that this variant is likely to be tolerated. In summary, the available evidence is currently insufficient to determine the role of this variant in disease. Therefore, it has been classified as a Variant of Uncertain Significance.

NM_014974.3(DIP2C):c.200C>T (p.Thr67Ile)

Gene: DIP2C (DIP2 acetate--CoA ligase C (putative); minus strand). Cytogenetic location: 10p15.3.
Variant type: single nucleotide variant.
Coding change: c.200C>T on transcript NM_014974.3 (MANE Select); coding-DNA position 200, C replaced by T.
Protein change: p.Thr67Ile; replaces threonine 67 with isoleucine.
Molecular consequence: missense variant.
Genome position (GRCh38, 1-based): chr10:472,507, G>A on the plus strand (C>T on the coding strand, the complement: DIP2C is on the minus strand). VCF-style: chr10-472507-G-A. GRCh37 (hg19) VCF-style: chr10-518447-G-A.
Other names: c.200C>T (NM_014974.2); short protein forms T67I.
Identifiers: ClinVar variation 1416620 (VCV001416620.7), dbSNP rs752352624, ClinGen allele CA5381433.